The following is an entry in ClinVar:

ClinVar aggregate classification (germline): Uncertain significance (1 of 4 stars; one submission).

Conditions:
Vici syndrome (VICIS). Identifiers: Orphanet 1493, MedGen C1855772, MONDO:0009452, OMIM 242840.

gnomAD v4.1: 50 of 1,605,436 alleles (0.0031%); highest among the groups gnomAD compares: Non-Finnish European, 0.0041%; no homozygotes.

Submission:

Labcorp Genetics (formerly Invitae), Labcorp
Classification: Uncertain significance for Vici syndrome. Last evaluated: 2024-08-16. Review status: criteria provided, single submitter. Criteria: Invitae Variant Classification Sherloc (09022015). Collection method: clinical testing. Allele origin: germline.
Comment: This sequence change replaces glutamine, which is neutral and polar, with arginine, which is basic and polar, at codon 8 of the EPG5 protein (p.Gln8Arg). This variant is present in population databases (rs764203340, gnomAD 0.006%). This variant has not been reported in the literature in individuals affected with EPG5-related conditions. An algorithm developed to predict the effect of missense changes on protein structure and function (PolyPhen-2) suggests that this variant is likely to be disruptive. In summary, the available evidence is currently insufficient to determine the role of this variant in disease. Therefore, it has been classified as a Variant of Uncertain Significance.

NM_020964.3(EPG5):c.23A>G (p.Gln8Arg)

Gene: EPG5 (ectopic P-granules 5 autophagy tethering factor; minus strand). Cytogenetic location: 18q21.1.
Variant type: single nucleotide variant.
Coding change: c.23A>G on transcript NM_020964.3 (MANE Select); coding-DNA position 23, A replaced by G.
Protein change: p.Gln8Arg; replaces glutamine 8 with arginine.
Molecular consequence: missense variant.
Genome position (GRCh38, 1-based): chr18:45,967,217, T>C on the plus strand (A>G on the coding strand, the complement: EPG5 is on the minus strand). VCF-style: chr18-45967217-T-C. GRCh37 (hg19) VCF-style: chr18-43547183-T-C.
Other names: c.23A>G, p.Gln8Arg (NM_001410858.1, NM_001410859.1); short protein forms Q8R.
Identifiers: ClinVar variation 3705340 (VCV003705340.2).